The following is an entry in ClinVar:

ClinVar aggregate classification (germline): Uncertain significance (1 of 4 stars; one submission).

Submission:

Ambry Genetics
Classification: Uncertain significance. Last evaluated: 2026-07-11. Review status: criteria provided, single submitter. Criteria: Ambry Variant Classification Scheme 2023. Collection method: clinical testing. Allele origin: germline.
Comment: The p.K689R variant (also known as c.2066A>G), located in coding exon 3 of the CDK12 gene, results from an A to G substitution at nucleotide position 2066. The lysine at codon 689 is replaced by arginine, an amino acid with highly similar properties. This amino acid position is conserved. In addition, this alteration is predicted to be tolerated by in silico analysis. Based on the available evidence, the clinical significance of this variant remains unclear.

NM_016507.4(CDK12):c.2066A>G (p.Lys689Arg)

Gene: CDK12 (cyclin dependent kinase 12; plus strand). Cytogenetic location: 17q12.
Variant type: single nucleotide variant.
Coding change: c.2066A>G on transcript NM_016507.4 (MANE Select); coding-DNA position 2066, A replaced by G.
Protein change: p.Lys689Arg; replaces lysine 689 with arginine.
Molecular consequence: missense variant.
Genome position (GRCh38, 1-based): chr17:39,490,691, A>G. VCF-style: chr17-39490691-A-G. GRCh37 (hg19) VCF-style: chr17-37646944-A-G.
Other names: c.2066A>G, p.Lys689Arg (NM_015083.4); short protein forms K689R.
Identifiers: ClinVar variation 5034090 (VCV005034090.1).